The following is an entry in ClinVar:

ClinVar aggregate classification (germline): Uncertain significance. Review status: criteria provided, multiple submitters, no conflicts (2 of 4 stars). 6 submissions from 4 submitters: Uncertain significance (6). Last evaluated 2025-03-18.

Conditions:
Charcot-Marie-Tooth disease axonal type 2X. Also called: CHARCOT-MARIE-TOOTH DISEASE, AXONAL, AUTOSOMAL RECESSIVE, TYPE 2X; CHARCOT-MARIE-TOOTH NEUROPATHY, TYPE 2X. Identifiers: Orphanet 466775, MedGen C5569024, MONDO:0014726, OMIM 616668.
Amyotrophic lateral sclerosis type 5 (ALS5). Also called: AMYOTROPHIC LATERAL SCLEROSIS 5, JUVENILE. Identifiers: Orphanet 300605, MedGen C1865864, MONDO:0011196, OMIM 602099.
Inborn genetic diseases. Identifiers: MedGen C0950123, MeSH D030342.
Hereditary spastic paraplegia 11. Also called: Spastic Paraplegia 11; SPASTIC PARAPLEGIA, AUTOSOMAL RECESSIVE, COMPLICATED, WITH THIN CORPUS CALLOSUM; SPASTIC PARAPLEGIA, AUTOSOMAL RECESSIVE, WITH MENTAL IMPAIRMENT AND THIN CORPUS CALLOSUM; Spastic paraplegia, mental retardation and thin corpus callosum; Nakamura Osame syndrome; Autosomal recessive hereditary spastic paraplegia, mental impairment, and thin corpus callosum. Identifiers: Orphanet 2822, MedGen C1858479, MONDO:0011445, OMIM 604360.

Allele frequency attached by ClinVar (database versions not stated): gnomAD 0.00001; TOPMed 0.00002.
gnomAD v4.1: 23 of 1,613,552 alleles (0.0014%); highest among the groups gnomAD compares: Non-Finnish European, 0.0019%; no homozygotes.

Submissions (6):

Ambry Genetics
Classification: Uncertain significance for Inborn genetic diseases. Last evaluated: 2025-03-18. Review status: criteria provided, single submitter. Criteria: Ambry Variant Classification Scheme 2023. Collection method: clinical testing. Allele origin: germline.

Labcorp Genetics (formerly Invitae), Labcorp
Classification: Uncertain significance for Hereditary spastic paraplegia 11. Last evaluated: 2021-12-14. Review status: criteria provided, single submitter. Criteria: Invitae Variant Classification Sherloc (09022015). Collection method: clinical testing. Allele origin: germline.
Comment: This sequence change replaces arginine, which is basic and polar, with serine, which is neutral and polar, at codon 1334 of the SPG11 protein (p.Arg1334Ser). This variant is not present in population databases (gnomAD no frequency). This variant has not been reported in the literature in individuals affected with SPG11-related conditions. ClinVar contains an entry for this variant (Variation ID: 426819). Algorithms developed to predict the effect of missense changes on protein structure and function are either unavailable or do not agree on the potential impact of this missense change (SIFT: "Tolerated"; PolyPhen-2: "Probably Damaging"; Align-GVGD: "Class C0"). Algorithms developed to predict the effect of sequence changes on RNA splicing suggest that this variant may disrupt the consensus splice site. In summary, the available evidence is currently insufficient to determine the role of this variant in disease. Therefore, it has been classified as a Variant of Uncertain Significance.

GeneDx
Classification: Uncertain significance. Last evaluated: 2017-04-03. Review status: criteria provided, single submitter. Criteria: GeneDx Variant Classification (06012015). Collection method: clinical testing. Allele origin: germline. Affected: yes.
Comment: A variant of uncertain significance has been identified in the SPG11 gene. The c.4002 G>C variant has not been published as a pathogenic variant, nor has it been reported as a benign variant to our knowledge. The c.4002 G>C variant is not observed in large population cohorts (Lek et al., 2016; 1000 Genomes Consortium et al., 2015; Exome Variant Server). Several in-silico splice prediction models predict that c.4002 G>C reduces the quality of the natural acceptor site, which may lead to abnormal gene splicing. However, in the absence of RNA/functional studies, the actual effect of this sequence change in this individual is unknown. If the c.4002 G>C does not affect splicing, it will result in a R1334S missense substitution. The R1334S variant is a semi-conservative amino acid substitution, which may impact secondary protein structure as these residues differ in some properties. This substitution occurs at a position that is conserved across species. However, in silico analysis is inconsistent in its predictions as to whether or not the variant is damaging to the protein structure/function. Therefore, based on the currently available information, it is unclear whether this variant is a pathogenic variant or a rare benign variant.

Genome-Nilou Lab
Classification: Uncertain significance for Amyotrophic lateral sclerosis type 5. Review status: criteria provided, single submitter. Criteria: ACMG Guidelines, 2015. Collection method: clinical testing. Allele origin: germline.

Genome-Nilou Lab
Classification: Uncertain significance for Charcot-Marie-Tooth disease axonal type 2X. Review status: criteria provided, single submitter. Criteria: ACMG Guidelines, 2015. Collection method: clinical testing. Allele origin: germline.

Genome-Nilou Lab
Classification: Uncertain significance for Hereditary spastic paraplegia 11. Review status: criteria provided, single submitter. Criteria: ACMG Guidelines, 2015. Collection method: clinical testing. Allele origin: germline.

NM_025137.4(SPG11):c.4002G>C (p.Arg1334Ser)

Gene: SPG11 (SPG11 vesicle trafficking associated, spatacsin; minus strand). Cytogenetic location: 15q21.1.
Variant type: single nucleotide variant.
Coding change: c.4002G>C on transcript NM_025137.4 (MANE Select); coding-DNA position 4002, G replaced by C.
Protein change: p.Arg1334Ser; replaces arginine 1334 with serine.
Molecular consequence: missense variant.
Genome position (GRCh38, 1-based): chr15:44,596,943, C>G on the plus strand (G>C on the coding strand, the complement: SPG11 is on the minus strand). VCF-style: chr15-44596943-C-G. GRCh37 (hg19) VCF-style: chr15-44889141-C-G.
Other names: c.4002G>C, p.Arg1334Ser (NM_001160227.2); short protein forms R1334S.
Identifiers: ClinVar variation 426819 (VCV000426819.9), dbSNP rs1085307814, ClinGen allele CA392229356.